The following is an entry in ClinVar:

NM_134444.5(NLRP4):c.2143T>G (p.Cys715Gly)

Gene: NLRP4 (NLR family pyrin domain containing 4; plus strand). Cytogenetic location: 19q13.43.
Variant type: single nucleotide variant.
Coding change: c.2143T>G on transcript NM_134444.5 (MANE Select); coding-DNA position 2143, T replaced by G.
Protein change: p.Cys715Gly; replaces cysteine 715 with glycine.
Molecular consequence: missense variant.
Genome position (GRCh38, 1-based): chr19:55,862,116, T>G. VCF-style: chr19-55862116-T-G. GRCh37 (hg19) VCF-style: chr19-56373482-T-G.
Other names: short protein forms C715G.
Identifiers: ClinVar variation 103221 (VCV000103221.2), dbSNP rs199475750, ClinGen allele CA230275.

ClinVar aggregate classification (germline): not provided (0 of 4 stars; one submission).

Allele frequency attached by ClinVar (database versions not stated): gnomAD 0.00001.
gnomAD v4.1: 1 of 1,614,012 alleles (0.000062%); highest among the groups gnomAD compares: African/African-American, 0.0013%; no homozygotes.

Submission:

Human Evolutionary Genetics, Institut Pasteur
No classification provided. Review status: no classification provided. Collection method: not provided. Allele origin: germline.
ClinVar note: Converted during submission from untested to not provided.